The following is an entry in ClinVar:

NM_004360.5(CDH1):c.1483G>T (p.Val495Leu)

Gene: CDH1 (cadherin 1; plus strand). Cytogenetic location: 16q22.1.
Variant type: single nucleotide variant.
Coding change: c.1483G>T on transcript NM_004360.5 (MANE Select); coding-DNA position 1483, G replaced by T.
Protein change: p.Val495Leu; replaces valine 495 with leucine.
Molecular consequence: missense variant. On other transcripts: 5 prime UTR variant (2).
Genome position (GRCh38, 1-based): chr16:68,815,677, G>T. VCF-style: chr16-68815677-G-T. GRCh37 (hg19) VCF-style: chr16-68849580-G-T.
Other names: c.1483G>T (NM_004360.3); c.1300G>T, p.Val434Leu (NM_001317184.2); c.-66G>T (NM_001317185.2); c.-337G>T (NM_001317186.2); short protein forms V434L, V495L.
Identifiers: ClinVar variation 1418336 (VCV001418336.10), dbSNP rs931521632, ClinGen allele CA283308282.

ClinVar aggregate classification (germline): Conflicting classifications of pathogenicity. Review status: criteria provided, conflicting classifications (1 of 4 stars). 2 submissions from 2 submitters: Uncertain significance (1); Likely benign (1). Last evaluated 2026-06-16.

Conditions:
Hereditary cancer-predisposing syndrome. Also called: Hereditary Cancer Syndrome; Neoplastic Syndromes, Hereditary; Hereditary neoplastic syndrome; Tumor predisposition. Identifiers: Orphanet 140162, MedGen C0027672, MeSH D009386, MONDO:0015356.
Hereditary diffuse gastric adenocarcinoma (HDGC). Also called: DIFFUSE GASTRIC AND LOBULAR BREAST CANCER SYNDROME. Identifiers: Orphanet 26106, MedGen C1708349, MONDO:0007648, OMIM 137215.

Allele frequency attached by ClinVar (database versions not stated): TOPMed 0.00001.

Submissions (2):

Ambry Genetics
Classification: Likely benign for Hereditary cancer-predisposing syndrome. Last evaluated: 2026-06-16. Review status: criteria provided, single submitter. Criteria: Ambry Variant Classification Scheme 2023. Collection method: clinical testing. Allele origin: germline.

Labcorp Genetics (formerly Invitae), Labcorp
Classification: Uncertain significance for Hereditary diffuse gastric adenocarcinoma. Last evaluated: 2021-03-09. Review status: criteria provided, single submitter. Criteria: Invitae Variant Classification Sherloc (09022015). Collection method: clinical testing. Allele origin: germline.
Comment: This sequence change replaces valine with leucine at codon 495 of the CDH1 protein (p.Val495Leu). The valine residue is moderately conserved and there is a small physicochemical difference between valine and leucine. This variant is not present in population databases (ExAC no frequency). This variant has not been reported in the literature in individuals with CDH1-related conditions. Algorithms developed to predict the effect of missense changes on protein structure and function (SIFT, PolyPhen-2, Align-GVGD) all suggest that this variant is likely to be tolerated, but these predictions have not been confirmed by published functional studies and their clinical significance is uncertain. In summary, the available evidence is currently insufficient to determine the role of this variant in disease. Therefore, it has been classified as a Variant of Uncertain Significance.